The following is an entry in ClinVar:

NM_018249.6(CDK5RAP2):c.3635A>T (p.Lys1212Met)

Gene: CDK5RAP2 (CDK5 regulatory subunit associated protein 2; minus strand). Cytogenetic location: 9q33.2.
Variant type: single nucleotide variant.
Coding change: c.3635A>T on transcript NM_018249.6 (MANE Select); coding-DNA position 3635, A replaced by T.
Protein change: p.Lys1212Met; replaces lysine 1212 with methionine.
Molecular consequence: missense variant. On other transcripts: non-coding transcript variant (5).
Genome position (GRCh38, 1-based): chr9:120,439,486, T>A on the plus strand (A>T on the coding strand, the complement: CDK5RAP2 is on the minus strand). VCF-style: chr9-120439486-T-A. GRCh37 (hg19) VCF-style: chr9-123201764-T-A.
Other names: c.3635A>T, p.Lys1212Met (NM_001011649.3); c.2945A>T, p.Lys982Met (NM_001272039.2); c.3536A>T, p.Lys1179Met (NM_001410992.1); c.3539A>T, p.Lys1180Met (NM_001410993.1); c.3632A>T, p.Lys1211Met (NM_001410994.1); short protein forms K1179M, K1211M, K982M, K1180M, K1212M.
Identifiers: ClinVar variation 2053688 (VCV002053688.4), dbSNP rs369232622, ClinGen allele CA374721098.
Genomic context (GRCh38, chr9:120,439,486, plus strand): 5'-TTCTGCAGATTATGGATCTCACTGAAAAGTTGCATGTTCAAATTCTGCTCCTTCTGCAGC[T>A]TGTATTCCTGTTCCTCCAGCTGCTGTTTGAGGTTCTCCAGCACCCTGCTGTCAATCATCT-3'
Protein context (NP_060719.4, residues 1202-1222): LKQQLEEQEY[Lys1212Met]LQKEQNLNMQ

ClinVar aggregate classification (germline): Uncertain significance (1 of 4 stars; one submission).

Submission:

Labcorp Genetics (formerly Invitae), Labcorp
Classification: Uncertain significance. Last evaluated: 2022-07-06. Review status: criteria provided, single submitter. Criteria: Invitae Variant Classification Sherloc (09022015). Collection method: clinical testing. Allele origin: germline.
Comment: This sequence change replaces lysine, which is basic and polar, with methionine, which is neutral and non-polar, at codon 1212 of the CDK5RAP2 protein (p.Lys1212Met). This variant is not present in population databases (gnomAD no frequency). This variant has not been reported in the literature in individuals affected with CDK5RAP2-related conditions. Algorithms developed to predict the effect of missense changes on protein structure and function are either unavailable or do not agree on the potential impact of this missense change (SIFT: "Deleterious"; PolyPhen-2: "Benign"; Align-GVGD: "Class C15"). In summary, the available evidence is currently insufficient to determine the role of this variant in disease. Therefore, it has been classified as a Variant of Uncertain Significance.